The following is an entry in ClinVar:

NM_000286.3(PEX12):c.66G>A (p.Glu22=)

Gene: PEX12 (peroxisomal biogenesis factor 12; minus strand). Cytogenetic location: 17q12.
Variant type: single nucleotide variant.
Coding change: c.66G>A on transcript NM_000286.3 (MANE Select); coding-DNA position 66, G replaced by A.
Protein change: p.Glu22=; no amino-acid change (glutamic acid 22 retained).
Molecular consequence: synonymous variant.
Genome position (GRCh38, 1-based): chr17:35,577,956, C>T on the plus strand (G>A on the coding strand, the complement: PEX12 is on the minus strand). VCF-style: chr17-35577956-C-T. GRCh37 (hg19) VCF-style: chr17-33904975-C-T.
Other names: c.66G>A (NM_000286.2).
Identifiers: ClinVar variation 2081084 (VCV002081084.6), dbSNP rs552634733, ClinGen allele CA8504992.

ClinVar aggregate classification (germline): Likely benign. Review status: criteria provided, multiple submitters, no conflicts (2 of 4 stars). 3 submissions from 3 submitters: Likely benign (2). 1 of the submissions does not count toward it. Last evaluated 2024-09-11.

Conditions:
PEX12-related disorder. Also called: PEX12-related condition; PEX12-related disorders.
Peroxisome biogenesis disorder 3A (Zellweger). Also called: PEROXISOMAL BIOGENESIS DISORDER 3A (ZELLWEGER); Peroxisome biogenesis disorder 3A. Identifiers: Orphanet 912, MedGen C3553929, MONDO:0013927, OMIM 614859.

Allele frequency attached by ClinVar (database versions not stated): TOPMed below 0.00001; gnomAD 0.00001; gnomAD exomes 0.00003; ExAC 0.00007; 1000 Genomes Project 30x 0.00016; 1000 Genomes Project 0.00020.

Submissions (3):

Labcorp Genetics (formerly Invitae), Labcorp
Classification: Likely benign for Peroxisome biogenesis disorder 3A (Zellweger). Last evaluated: 2024-09-11. Review status: criteria provided, single submitter. Criteria: Invitae Variant Classification Sherloc (09022015). Collection method: clinical testing. Allele origin: germline.

Blueprint Genetics
Classification: Likely benign. Last evaluated: 2022-05-14. Review status: criteria provided, single submitter. Criteria: ACMG Guidelines, 2015. Collection method: clinical testing. Allele origin: germline.

PreventionGenetics, part of Exact Sciences
Classification: Likely benign for PEX12-related condition. Last evaluated: 2024-03-23. Review status: no assertion criteria provided. Collection method: clinical testing. Allele origin: germline. Not counted in ClinVar's aggregate classification.
Comment: This variant is classified as likely benign based on ACMG/AMP sequence variant interpretation guidelines (Richards et al. 2015 PMID: 25741868, with internal and published modifications).